The following is an entry in ClinVar:

NM_004727.3(SLC24A1):c.1970G>A (p.Ser657Asn)

Gene: SLC24A1 (solute carrier family 24 member 1; plus strand). Cytogenetic location: 15q22.31.
Variant type: single nucleotide variant.
Coding change: c.1970G>A on transcript NM_004727.3 (MANE Select); coding-DNA position 1970, G replaced by A.
Protein change: p.Ser657Asn; replaces serine 657 with asparagine.
Molecular consequence: missense variant.
Genome position (GRCh38, 1-based): chr15:65,639,620, G>A. VCF-style: chr15-65639620-G-A. GRCh37 (hg19) VCF-style: chr15-65931958-G-A.
Other names: c.1970G>A, p.Ser657Asn (NM_001301031.1); c.1916G>A, p.Ser639Asn (NM_001301032.1, NM_001301033.2); short protein forms S657N, S639N.
Identifiers: ClinVar variation 1516391 (VCV001516391.8), dbSNP rs751251052, ClinGen allele CA392919690.
Genomic context (GRCh38, chr15:65,639,620, plus strand): 5'-ACAGGGGCCCACTGTGCGGCTCTCCTCTTGCTCAGCTCCCGTCCTTGCTGACCCGAGGGA[G>A]CAGCTCGACCTCTCTGCACAACAGCACCATCCGCAGCACCATCTACCAGCTCATGCTCCA-3'
Protein context (NP_004718.1, residues 647-667): LKLPSLLTRG[Ser657Asn]SSTSLHNSTI

ClinVar aggregate classification (germline): Uncertain significance (1 of 4 stars; one submission).

Allele frequency attached by ClinVar (database versions not stated): gnomAD 0.00001; TOPMed 0.00001.
gnomAD v4.1: 11 of 1,611,588 alleles (0.00068%); highest among the groups gnomAD compares: East Asian, 0.025%; no homozygotes.

Submission:

Labcorp Genetics (formerly Invitae), Labcorp
Classification: Uncertain significance. Last evaluated: 2022-11-29. Review status: criteria provided, single submitter. Criteria: Invitae Variant Classification Sherloc (09022015). Collection method: clinical testing. Allele origin: germline.
Comment: Algorithms developed to predict the effect of missense changes on protein structure and function are either unavailable or do not agree on the potential impact of this missense change (SIFT: "Tolerated"; PolyPhen-2: "Possibly Damaging"; Align-GVGD: "Class C0"). In summary, the available evidence is currently insufficient to determine the role of this variant in disease. Therefore, it has been classified as a Variant of Uncertain Significance. ClinVar contains an entry for this variant (Variation ID: 1516391). This variant has not been reported in the literature in individuals affected with SLC24A1-related conditions. This variant is not present in population databases (gnomAD no frequency). This sequence change replaces serine, which is neutral and polar, with asparagine, which is neutral and polar, at codon 657 of the SLC24A1 protein (p.Ser657Asn).